The following is an entry in ClinVar:

ClinVar aggregate classification (germline): Pathogenic/Likely pathogenic. Review status: criteria provided, multiple submitters, no conflicts (2 of 4 stars). 6 submissions from 6 submitters: Pathogenic (4); Likely pathogenic (1). 1 of the submissions does not count toward it. Last evaluated 2025-10-27.

Conditions:
Ornithine aminotransferase deficiency (GACR). Also called: HYPERORNITHINEMIA WITH GYRATE ATROPHY OF CHOROID AND RETINA; OKT DEFICIENCY; OAT DEFICIENCY; Ornithine ketoacid aminotransferase deficiency; Gyrate atrophy; Gyrate atrophy of choroid and retina. Identifiers: Orphanet 414, MedGen C0018425, MONDO:0009796, OMIM 258870.
OAT-related disorder. Also called: OAT-related condition.

Allele frequency attached by ClinVar (database versions not stated): gnomAD exomes 0.00001; ExAC 0.00001.

Submissions (6):

Natera, Inc.
Classification: Pathogenic for Gyrate atrophy. Last evaluated: 2025-10-27. Review status: criteria provided, single submitter. Criteria: Natera Variant Classification Schema (03/2026). Collection method: clinical testing. Allele origin: germline.
Comment: The c.748C>T variant in OAT is a nonsense variant predicted to introduce a stop codon at amino acid 250. This variant is expected to result in nonsense mediated decay, truncation, or a dysfunctional protein product. This variant is rare in the general population with a frequency below the threshold expected for the associated phenotype(s). This variant has been observed in one or more individuals affected with the associated recessive disease, as either homozygous or compound heterozygous with a second variant (PMID: 39202380). Given the available evidence, this variant is classified as Pathogenic.

Myriad Genetics, Inc.
Classification: Pathogenic for Ornithine aminotransferase deficiency. Last evaluated: 2024-05-14. Review status: criteria provided, single submitter. Criteria: Myriad Autosomal Dominant, Autosomal Recessive and X-Linked Classification Criteria (2023). Collection method: clinical testing. Allele origin: unknown.
Comment: NM_000274.3(OAT):c.748C>T(R250*) is expected to be pathogenic in the context of ornithine aminotransferase deficiency. This variant is predicted to lead to an abnormal or absent protein product due to the creation of a premature termination codon in OAT, a gene where loss-of-function variants are known to be pathogenic. Please note: this variant was assessed in the context of healthy population screening.

Baylor Genetics
Classification: Pathogenic for Ornithine aminotransferase deficiency. Last evaluated: 2024-01-21. Review status: criteria provided, single submitter. Criteria: ACMG Guidelines, 2015. Collection method: clinical testing. Allele origin: unknown.

Labcorp Genetics (formerly Invitae), Labcorp
Classification: Pathogenic for Ornithine aminotransferase deficiency. Last evaluated: 2023-10-15. Review status: criteria provided, single submitter. Criteria: Invitae Variant Classification Sherloc (09022015). Collection method: clinical testing. Allele origin: germline.
Comment: This sequence change creates a premature translational stop signal (p.Arg250*) in the OAT gene. It is expected to result in an absent or disrupted protein product. Loss-of-function variants in OAT are known to be pathogenic (PMID: 1737786, 23076989). This variant is present in population databases (rs386833617, gnomAD 0.003%). This premature translational stop signal has been observed in individual(s) with gyrate atrophy (PMID: 22182799). ClinVar contains an entry for this variant (Variation ID: 56135). For these reasons, this variant has been classified as Pathogenic.

Blueprint Genetics
Classification: Likely pathogenic for OAT-related disorders. Last evaluated: 2020-03-25. Review status: criteria provided, single submitter. Criteria: ACMG Guidelines, 2015. Collection method: clinical testing. Allele origin: germline. Affected: yes. Observed: 1 variant allele.

Juha Muilu Group; Institute for Molecular Medicine Finland (FIMM)
Classification: Likely pathogenic for Ornithine aminotransferase deficiency. Review status: no assertion criteria provided. Collection method: not provided. Allele origin: unknown. Not counted in ClinVar's aggregate classification.
Comment: FinDis database variant: This variant was not found or characterized by our laboratory, data were collected from public sources: see reference
ClinVar note: Converted during submission from probable-pathogenic to Likely pathogenic.

Literature cited by the submitters: PubMed 39202380 (cited by Natera, Inc.); PubMed 1737786 (cited by Labcorp Genetics (formerly Invitae), Labcorp); PubMed 23076989 (cited by Labcorp Genetics (formerly Invitae), Labcorp); PubMed 22182799 (cited by Labcorp Genetics (formerly Invitae), Labcorp).

NM_000274.4(OAT):c.748C>T (p.Arg250Ter)

Genes: OAT (ornithine aminotransferase; minus strand), LOC121815974 (Sharpr-MPRA regulatory region 15365; plus strand). Cytogenetic location: 10q26.13.
Variant type: single nucleotide variant.
Coding change: c.748C>T on transcript NM_000274.4 (MANE Select); coding-DNA position 748, C replaced by T.
Protein change: p.Arg250Ter; replaces arginine 250 with a stop codon.
Molecular consequence: nonsense.
Genome position (GRCh38, 1-based): chr10:124,403,821, G>A on the plus strand (C>T on the coding strand, the complement: OAT is on the minus strand). VCF-style: chr10-124403821-G-A. GRCh37 (hg19) VCF-style: chr10-126092390-G-A.
Other names: c.148C>T, p.Arg50Ter (NM_001322974.2); c.334C>T, p.Arg112Ter (NM_001171814.2); c.748C>T, p.Arg250Ter (NM_001322965.2, NM_001322966.2, NM_001322967.2 and 3 more transcripts); c.427C>T, p.Arg143Ter (NM_001322971.2); short protein forms R112*, R250*, R50*, R143*.
Identifiers: ClinVar variation 56135 (VCV000056135.12), dbSNP rs386833617, ClinGen allele CA144177.